The following is an entry in ClinVar:

NM_181507.2(HPS5):c.434G>A (p.Gly145Glu)

Gene: HPS5 (HPS5 biogenesis of lysosomal organelles complex 2 subunit 2; minus strand). Cytogenetic location: 11p15.1.
Variant type: single nucleotide variant.
Coding change: c.434G>A on transcript NM_181507.2 (MANE Select); coding-DNA position 434, G replaced by A.
Protein change: p.Gly145Glu; replaces glycine 145 with glutamic acid.
Molecular consequence: missense variant.
Genome position (GRCh38, 1-based): chr11:18,310,784, C>T on the plus strand (G>A on the coding strand, the complement: HPS5 is on the minus strand). VCF-style: chr11-18310784-C-T. GRCh37 (hg19) VCF-style: chr11-18332331-C-T.
Other names: c.92G>A, p.Gly31Glu (NM_007216.4, NM_181508.2); short protein forms G31E, G145E.
Identifiers: ClinVar variation 1466104 (VCV001466104.8), dbSNP rs1355819005, ClinGen allele CA379505196.
Genomic context (GRCh38, chr11:18,310,784, plus strand): 5'-ATGGGACTGCTTCTCACCTTTGCTTGTTTAGAAGTATTGAGTTTGATAGCAGAAACCTTC[C>T]CAGCATGATCACCTACAAAAACTCTAAGAATAGCTGTATCCCAGCAGAGAGCTGTGACTC-3'
Protein context (NP_852608.1, residues 135-155): ILRVFVGDHA[Gly145Glu]KVSAIKLNTS

ClinVar aggregate classification (germline): Uncertain significance (1 of 4 stars; one submission).

Allele frequency attached by ClinVar (database versions not stated): gnomAD exomes below 0.00001; gnomAD 0.00001; TOPMed 0.00002.
gnomAD v4.1: 2 of 1,613,978 alleles (0.00012%); highest among the groups gnomAD compares: African/African-American, 0.0027%; no homozygotes.

Submission:

Labcorp Genetics (formerly Invitae), Labcorp
Classification: Uncertain significance. Last evaluated: 2022-02-05. Review status: criteria provided, single submitter. Criteria: Invitae Variant Classification Sherloc (09022015). Collection method: clinical testing. Allele origin: germline.
Comment: Algorithms developed to predict the effect of missense changes on protein structure and function are either unavailable or do not agree on the potential impact of this missense change (SIFT: "Deleterious"; PolyPhen-2: "Probably Damaging"; Align-GVGD: "Class C0"). This missense change has been observed in individual(s) with Hermansky-Pudlak syndrome (PMID: 17933573). This variant is not present in population databases (gnomAD no frequency). This sequence change replaces glycine, which is neutral and non-polar, with glutamic acid, which is acidic and polar, at codon 145 of the HPS5 protein (p.Gly145Glu). In summary, the available evidence is currently insufficient to determine the role of this variant in disease. Therefore, it has been classified as a Variant of Uncertain Significance.

Literature cited by the submitters: PubMed 17933573.